The following is an entry in ClinVar:

ClinVar aggregate classification (germline): Pathogenic/Likely pathogenic. Review status: criteria provided, multiple submitters, no conflicts (2 of 4 stars). 3 submissions from 3 submitters: Pathogenic (1); Likely pathogenic (2). Last evaluated 2023-03-01.

Conditions:
ENAM-related disorders.
Amelogenesis imperfecta - hypoplastic autosomal dominant - local (AI1B). Also called: ENAMEL HYPOPLASIA, HEREDITARY LOCALIZED; Amelogenesis imperfecta type 1B. Identifiers: Orphanet 88661, MedGen C0399368, MONDO:0007092, OMIM 104500. Disease mechanism: loss of function.

Submissions (3):

Reference Center For Rare Oral And Dental Diseases, CRMR O-Rares, Hôpitaux Universitaires De Strasbourg
Classification: Likely pathogenic for Amelogenesis imperfecta - hypoplastic autosomal dominant - local. Last evaluated: 2023-03-01. Review status: criteria provided, single submitter. Criteria: ACMG Guidelines, 2015. Collection method: clinical testing. Allele origin: paternal. Affected: yes.

Blueprint Genetics
Classification: Likely pathogenic for ENAM-related disorders. Last evaluated: 2022-08-09. Review status: criteria provided, single submitter. Criteria: ACMG Guidelines, 2015. Collection method: clinical testing. Allele origin: germline. Affected: yes. Observed: 2 variant alleles.

GeneDx
Classification: Pathogenic. Last evaluated: 2015-05-22. Review status: criteria provided, single submitter. Criteria: GeneDx Variant Classification (06012015). Collection method: clinical testing. Allele origin: germline. Affected: yes.
Comment: The c.588+1dupG duplication in the ENAM gene has not been reported previously as a pathogenic variant nor as a benign polymorphism, to our knowledge. The c.588+1dupG variant destroys the canonical splice donor site in intron 8. This duplication is predicted to activate a cryptic splice donor site one nucleotide downstream, either leading to an abnormal message that is subject to nonsense-mediated mRNA decay, or to an abnormal protein product if the message is used for protein translation. The c.588+1dupG duplication was not observed in approximately 6500 individuals of European and African American ancestry in the NHLBI Exome Sequencing Project, indicating it is not a common benign variant in these populations. We interpret c.588+1dupG as a pathogenic variant.

NM_031889.3(ENAM):c.588+1dup

Gene: ENAM (enamelin; plus strand). Cytogenetic location: 4q13.3.
Variant type: Duplication.
Coding change: c.588+1dup on transcript NM_031889.3 (MANE Select); the canonical splice donor site of the intron after coding-DNA position 588, one base duplicated (G; older notation c.588+1dupG).
Molecular consequence: splice donor variant.
Genome position (GRCh38, 1-based): chr4:70,637,844, G duplicated; the last of 7 consecutive G bases (chr4:70,637,838-70,637,844); duplicating any one gives the same sequence. VCF-style (leftmost placement, unchanged base first): chr4-70637837-A-AG. GRCh37 (hg19) VCF-style: chr4-71503554-A-AG.
Other names: c.588+1dupG (NM_031889.2); c.-67+1dup (NM_001368133.1).
Identifiers: ClinVar variation 427132 (VCV000427132.3), dbSNP rs752102959, ClinGen allele CA2951949.